The following is an entry in ClinVar:

NM_005445.4(SMC3):c.786T>A (p.Asp262Glu)

Gene: SMC3 (structural maintenance of chromosomes 3; plus strand). Cytogenetic location: 10q25.2.
Variant type: single nucleotide variant.
Coding change: c.786T>A on transcript NM_005445.4 (MANE Select); coding-DNA position 786, T replaced by A.
Protein change: p.Asp262Glu; replaces aspartic acid 262 with glutamic acid.
Molecular consequence: missense variant.
Genome position (GRCh38, 1-based): chr10:110,582,624, T>A. VCF-style: chr10-110582624-T-A. GRCh37 (hg19) VCF-style: chr10-112342382-T-A.
Other names: short protein forms D262E.
Identifiers: ClinVar variation 1720044 (VCV001720044.6), dbSNP rs1186869366, ClinGen allele CA378378220.
Genomic context (GRCh38, chr10:110,582,624, plus strand): 5'-TTCTGCTAAGCGAGAGACTAGTGGAGAAAAATCCAGACAATTAAGAGATGCTCAGCAGGA[T>A]GCAAGAGATAAAATGGAGGTAAGATTATAAACAAGGTTCATGTTAACTTACTTTTTACTT-3'
Protein context (NP_005436.1, residues 252-272): KSRQLRDAQQ[Asp262Glu]ARDKMEDIER

ClinVar aggregate classification (germline): Uncertain significance (1 of 4 stars; one submission).

Conditions:
Cornelia de Lange syndrome 3 (CDLS3). Also called: SMC3-Related Cornelia de Lange Syndrome; CORNELIA DE LANGE SYNDROME 3 WITH OR WITHOUT MIDLINE BRAIN DEFECTS. Identifiers: Orphanet 199, MedGen C1853099, MONDO:0012555, OMIM 610759.

Submission:

Labcorp Genetics (formerly Invitae), Labcorp
Classification: Uncertain significance for Cornelia de Lange syndrome 3. Last evaluated: 2024-11-11. Review status: criteria provided, single submitter. Criteria: Invitae Variant Classification Sherloc (09022015). Collection method: clinical testing. Allele origin: germline.
Comment: This sequence change replaces aspartic acid, which is acidic and polar, with glutamic acid, which is acidic and polar, at codon 262 of the SMC3 protein (p.Asp262Glu). This variant is not present in population databases (gnomAD no frequency). This variant has not been reported in the literature in individuals affected with SMC3-related conditions. ClinVar contains an entry for this variant (Variation ID: 1720044). Invitae Evidence Modeling of protein sequence and biophysical properties (such as structural, functional, and spatial information, amino acid conservation, physicochemical variation, residue mobility, and thermodynamic stability) indicates that this missense variant is not expected to disrupt SMC3 protein function with a negative predictive value of 95%. In summary, the available evidence is currently insufficient to determine the role of this variant in disease. Therefore, it has been classified as a Variant of Uncertain Significance.